The following is an entry in ClinVar:

NM_000098.3(CPT2):c.719C>T (p.Ala240Val)

Gene: CPT2 (carnitine palmitoyltransferase 2; plus strand). Cytogenetic location: 1p32.3.
Variant type: single nucleotide variant.
Coding change: c.719C>T on transcript NM_000098.3 (MANE Select); coding-DNA position 719, C replaced by T.
Protein change: p.Ala240Val; replaces alanine 240 with valine.
Molecular consequence: missense variant.
Genome position (GRCh38, 1-based): chr1:53,210,393, C>T. VCF-style: chr1-53210393-C-T. GRCh37 (hg19) VCF-style: chr1-53676065-C-T.
Other names: c.719C>T, p.Ala240Val (NM_001330589.2); short protein forms A240V.
Identifiers: ClinVar variation 1921602 (VCV001921602.5), dbSNP rs1553169662, ClinGen allele CA312438.
Genomic context (GRCh38, chr1:53,210,393, plus strand): 5'-TTTTCAACTCAACTCGTTTACCCAAACCCAGTCGGGATGAACTCTTCACTGATGACAAGG[C>T]CAGACACCTCCTGGTCCTAAGGAAAGGAAATTTTTATATCTTTGATGTCCTGGATCAAGA-3'
Protein context (NP_000089.1, residues 230-250): SRDELFTDDK[Ala240Val]RHLLVLRKGN

ClinVar aggregate classification (germline): Uncertain significance (1 of 4 stars; one submission).

Conditions:
Carnitine palmitoyltransferase II deficiency. Also called: Carnitine Palmitoyltransferase 2 Deficiency. Identifiers: Orphanet 157, MedGen C0342790, MONDO:0015515.

Allele frequency attached by ClinVar (database versions not stated): gnomAD exomes below 0.00001.

Submission:

Labcorp Genetics (formerly Invitae), Labcorp
Classification: Uncertain significance for Carnitine palmitoyltransferase II deficiency. Last evaluated: 2023-08-16. Review status: criteria provided, single submitter. Criteria: Invitae Variant Classification Sherloc (09022015). Collection method: clinical testing. Allele origin: germline.
Comment: In summary, the available evidence is currently insufficient to determine the role of this variant in disease. Therefore, it has been classified as a Variant of Uncertain Significance. Advanced modeling of protein sequence and biophysical properties (such as structural, functional, and spatial information, amino acid conservation, physicochemical variation, residue mobility, and thermodynamic stability) has been performed at Invitae for this missense variant, however the output from this modeling did not meet the statistical confidence thresholds required to predict the impact of this variant on CPT2 protein function. ClinVar contains an entry for this variant (Variation ID: 1921602). This variant has not been reported in the literature in individuals affected with CPT2-related conditions. This variant is not present in population databases (gnomAD no frequency). This sequence change replaces alanine, which is neutral and non-polar, with valine, which is neutral and non-polar, at codon 240 of the CPT2 protein (p.Ala240Val).